The following is an entry in ClinVar:

NM_000023.4(SGCA):c.731G>C (p.Trp244Ser)

Gene: SGCA (sarcoglycan alpha; plus strand). Cytogenetic location: 17q21.33.
Variant type: single nucleotide variant.
Coding change: c.731G>C on transcript NM_000023.4 (MANE Select); coding-DNA position 731, G replaced by C.
Protein change: p.Trp244Ser; replaces tryptophan 244 with serine.
Molecular consequence: missense variant. On other transcripts: non-coding transcript variant (1), intron variant (1).
Genome position (GRCh38, 1-based): chr17:50,169,238, G>C. VCF-style: chr17-50169238-G-C. GRCh37 (hg19) VCF-style: chr17-48246599-G-C.
Other names: c.584+666G>C (NM_001135697.3); short protein forms W244S.
Identifiers: ClinVar variation 1908315 (VCV001908315.3), dbSNP rs780288099, ClinGen allele CA8643869.

ClinVar aggregate classification (germline): Uncertain significance (1 of 4 stars; one submission).

Conditions:
Autosomal recessive limb-girdle muscular dystrophy type 2D (LGMDR3). Also called: MUSCULAR DYSTROPHY, LIMB-GIRDLE, AUTOSOMAL RECESSIVE 3; DUCHENNE-LIKE AUTOSOMAL RECESSIVE MUSCULAR DYSTROPHY, TYPE 2; ADHALINOPATHY, PRIMARY. Identifiers: Orphanet 62, MedGen C2936332, MONDO:0011968, OMIM 608099. Disease mechanism: Affects gamma-sarcoglycan and also disrupts the integrity of the entire sarcoglycan complex..

Allele frequency attached by ClinVar (database versions not stated): ExAC 0.00001.

Submission:

Labcorp Genetics (formerly Invitae), Labcorp
Classification: Uncertain significance for Autosomal recessive limb-girdle muscular dystrophy type 2D. Last evaluated: 2025-07-14. Review status: criteria provided, single submitter. Criteria: Invitae Variant Classification Sherloc (09022015). Collection method: clinical testing. Allele origin: germline.
Comment: This sequence change replaces tryptophan, which is neutral and slightly polar, with serine, which is neutral and polar, at codon 244 of the SGCA protein (p.Trp244Ser). This variant is present in population databases (rs780288099, gnomAD 0.003%). This variant has not been reported in the literature in individuals affected with SGCA-related conditions. ClinVar contains an entry for this variant (Variation ID: 1908315). Invitae Evidence Modeling of protein sequence and biophysical properties (such as structural, functional, and spatial information, amino acid conservation, physicochemical variation, residue mobility, and thermodynamic stability) indicates that this missense variant is expected to disrupt SGCA protein function with a positive predictive value of 95%. In summary, the available evidence is currently insufficient to determine the role of this variant in disease. Therefore, it has been classified as a Variant of Uncertain Significance.